The following is an entry in ClinVar:

NM_152906.7(TANGO2):c.328T>G (p.Ser110Ala)

Gene: TANGO2 (transport and golgi organization 2 homolog; plus strand). Cytogenetic location: 22q11.21.
Variant type: single nucleotide variant.
Coding change: c.328T>G on transcript NM_152906.7 (MANE Select); coding-DNA position 328, T replaced by G.
Protein change: p.Ser110Ala; replaces serine 110 with alanine.
Molecular consequence: missense variant. On other transcripts: non-coding transcript variant (1), intron variant (18).
Genome position (GRCh38, 1-based): chr22:20,053,499, T>G. VCF-style: chr22-20053499-T-G. GRCh37 (hg19) VCF-style: chr22-20041022-T-G.
Other names: c.328T>G, p.Ser110Ala (NM_001283106.3, NM_001283116.3, NM_001283148.3 and 3 more transcripts); c.451T>G, p.Ser151Ala (NM_001283129.3, NM_001283215.3, NM_001322141.2 and 3 more transcripts); c.226T>G, p.Ser76Ala (NM_001322146.2, NM_001322148.2, NM_001322160.2); c.265+915T>G (NM_001322163.2, NM_001283179.3, NM_001322167.2 and 4 more transcripts); c.86+915T>G (NM_001322174.2, NM_001322172.2, NM_001322175.2 and 6 more transcripts); c.388+915T>G (NM_001322145.2, NM_001322147.2); c.328T>G (NM_152906.4); short protein forms S151A, S110A, S76A.
Identifiers: ClinVar variation 1961809 (VCV001961809.3), dbSNP rs150241211, ClinGen allele CA410696740.

ClinVar aggregate classification (germline): Uncertain significance. Review status: criteria provided, multiple submitters, no conflicts (2 of 4 stars). 2 submissions from 2 submitters: Uncertain significance (2). Last evaluated 2024-11-24.

Conditions:
Inborn genetic diseases. Identifiers: MedGen C0950123, MeSH D030342.

gnomAD v4.1: 18 of 1,614,052 alleles (0.0011%); highest among the groups gnomAD compares: Non-Finnish European, 0.0015%; no homozygotes.

Submissions (2):

Ambry Genetics
Classification: Uncertain significance for Inborn genetic diseases. Last evaluated: 2024-11-24. Review status: criteria provided, single submitter. Criteria: Ambry Variant Classification Scheme 2023. Collection method: clinical testing. Allele origin: germline.

Labcorp Genetics (formerly Invitae), Labcorp
Classification: Uncertain significance. Last evaluated: 2022-01-26. Review status: criteria provided, single submitter. Criteria: Invitae Variant Classification Sherloc (09022015). Collection method: clinical testing. Allele origin: germline.
Comment: This sequence change replaces serine, which is neutral and polar, with alanine, which is neutral and non-polar, at codon 110 of the TANGO2 protein (p.Ser110Ala). This variant is not present in population databases (gnomAD no frequency). This variant has not been reported in the literature in individuals affected with TANGO2-related conditions. Algorithms developed to predict the effect of missense changes on protein structure and function are either unavailable or do not agree on the potential impact of this missense change (SIFT: "Not Available"; PolyPhen-2: "Benign"; Align-GVGD: "Not Available"). In summary, the available evidence is currently insufficient to determine the role of this variant in disease. Therefore, it has been classified as a Variant of Uncertain Significance.